The following is an entry in ClinVar:

ClinVar aggregate classification (germline): Likely benign (1 of 4 stars; one submission).

Allele frequency attached by ClinVar (database versions not stated): gnomAD exomes below 0.00001; TOPMed 0.00001.
gnomAD v4.1: 1 of 1,613,870 alleles (0.000062%); highest among the groups gnomAD compares: African/African-American, 0.0013%; no homozygotes.

Submission:

GeneDx
Classification: Likely benign. Last evaluated: 2016-08-02. Review status: criteria provided, single submitter. Criteria: GeneDx Variant Classification (06012015). Collection method: clinical testing. Allele origin: germline. Affected: yes.
Comment: This variant is considered likely benign or benign based on one or more of the following criteria: it is a conservative change, it occurs at a poorly conserved position in the protein, it is predicted to be benign by multiple in silico algorithms, and/or has population frequency not consistent with disease.

NM_014141.6(CNTNAP2):c.1349-13T>G

Gene: CNTNAP2 (contactin associated protein 2; plus strand). Cytogenetic location: 7q35.
Variant type: single nucleotide variant.
Coding change: c.1349-13T>G on transcript NM_014141.6 (MANE Select); 13 bases into the intron before coding-DNA position 1349, T replaced by G.
Molecular consequence: intron variant.
Genome position (GRCh38, 1-based): chr7:147,300,128, T>G. VCF-style: chr7-147300128-T-G. GRCh37 (hg19) VCF-style: chr7-146997220-T-G.
Identifiers: ClinVar variation 388123 (VCV000388123.1), dbSNP rs1057523006, ClinGen allele CA16605063.
Genomic context (GRCh38, chr7:147,300,128, plus strand): 5'-TTTGTTGATTTTGGAAATTGTGTTCAGCTGGGTAATTTTAAGATAAAAATGACTTTTATC[T>G]TGTACTTACCAGGTTCTGGGTTGAATGATGGACAGTGGCACGAGGTTCGCTTCCTAGCCA-3'